The following is an entry in ClinVar:

NM_014141.6(CNTNAP2):c.2063A>C (p.Tyr688Ser)

Gene: CNTNAP2 (contactin associated protein 2; plus strand). Cytogenetic location: 7q35.
Variant type: single nucleotide variant.
Coding change: c.2063A>C on transcript NM_014141.6 (MANE Select); coding-DNA position 2063, A replaced by C.
Protein change: p.Tyr688Ser; replaces tyrosine 688 with serine.
Molecular consequence: missense variant.
Genome position (GRCh38, 1-based): chr7:147,639,271, A>C. VCF-style: chr7-147639271-A-C. GRCh37 (hg19) VCF-style: chr7-147336363-A-C.
Other names: short protein forms Y688S.
Identifiers: ClinVar variation 1716244 (VCV001716244.6), dbSNP rs2536030390, ClinGen allele CA369926403.

ClinVar aggregate classification (germline): Uncertain significance (1 of 4 stars; one submission).

Conditions:
Cortical dysplasia-focal epilepsy syndrome (PTHSL1). Also called: Pitt-Hopkins-like syndrome 1. Identifiers: Orphanet 163681, Orphanet 221150, MedGen C2750246, MONDO:0012400, OMIM 610042.

Submission:

Labcorp Genetics (formerly Invitae), Labcorp
Classification: Uncertain significance for Cortical dysplasia-focal epilepsy syndrome. Last evaluated: 2022-08-12. Review status: criteria provided, single submitter. Criteria: Invitae Variant Classification Sherloc (09022015). Collection method: clinical testing. Allele origin: germline.
Comment: This sequence change replaces tyrosine, which is neutral and polar, with serine, which is neutral and polar, at codon 688 of the CNTNAP2 protein (p.Tyr688Ser). This variant is not present in population databases (gnomAD no frequency). This variant has not been reported in the literature in individuals affected with CNTNAP2-related conditions. Algorithms developed to predict the effect of missense changes on protein structure and function are either unavailable or do not agree on the potential impact of this missense change (SIFT: "Deleterious"; PolyPhen-2: "Probably Damaging"; Align-GVGD: "Class C0"). In summary, the available evidence is currently insufficient to determine the role of this variant in disease. Therefore, it has been classified as a Variant of Uncertain Significance.